The following is an entry in ClinVar:

NM_020632.3(ATP6V0A4):c.639G>A (p.Thr213=)

Gene: ATP6V0A4 (ATPase H+ transporting V0 subunit a4; minus strand). Cytogenetic location: 7q34.
Variant type: single nucleotide variant.
Coding change: c.639G>A on transcript NM_020632.3 (MANE Select); coding-DNA position 639, G replaced by A.
Protein change: p.Thr213=; no amino-acid change (threonine 213 retained).
Molecular consequence: synonymous variant.
Genome position (GRCh38, 1-based): chr7:138,759,752, C>T on the plus strand (G>A on the coding strand, the complement: ATP6V0A4 is on the minus strand). VCF-style: chr7-138759752-C-T. GRCh37 (hg19) VCF-style: chr7-138444497-C-T.
Other names: c.639G>A, p.Thr213= (NM_130840.3, NM_130841.3).
Identifiers: ClinVar variation 3236449 (VCV003236449.2), dbSNP rs754335968, ClinGen allele CA457941632.
Genomic context (GRCh38, chr7:138,759,752, plus strand): 5'-CGCTTCTGCTGAGGGCTATGGGAAGTCTCAGAGAAAGTTTTTGCAGCCCAAGGTTCCCAC[C>T]GTCACAGGATCCTCCAGAGGGGCGTCCATCTCACTGAACTTCAAGTACACGTTTCCTCGG-3'
Protein context (NP_065683.2, residues 203-223): EMDAPLEDPV[Thr213=]KEEIQKNIFI

ClinVar aggregate classification (germline): Uncertain significance (1 of 4 stars; one submission).

Conditions:
Renal tubular acidosis, distal, 3, with or without sensorineural hearing loss (DRTA3). Identifiers: MedGen C5399980, MONDO:0011268, OMIM 602722.

Allele frequency attached by ClinVar (database versions not stated): TOPMed below 0.00001.
gnomAD v4.1: 2 of 1,614,096 alleles (0.00012%); highest among the groups gnomAD compares: East Asian, 0.0045%; no homozygotes.

Submission:

Neuberg Centre For Genomic Medicine, NCGM
Classification: Uncertain significance for Renal tubular acidosis, distal, 3, with or without sensorineural hearing loss. Review status: criteria provided, single submitter. Criteria: ACMG Guidelines, 2015. Collection method: clinical testing. Allele origin: germline. Inheritance: Autosomal recessive inheritance. Affected: yes.
Comment: The splice site c.639G>A p.Thr213 variant in ATP6V0A4 gene has not been reported previously as a pathogenic variant nor as a benign variant, to our knowledge. The p.Thr213 variant is novel not in any individuals in gnomAD Exomes and 1000 Genomes. This variant has not been reported to the ClinVar database. SpliceAI predicts a donor loss of 0.90 for this variant. As this synonymous variant lies in the splice region, functional studies are required to prove the pathogenicity. Hence, for these reasons, this variant is classified as Variant of Uncertain Significance VUS.